The following is an entry in ClinVar:

ClinVar aggregate classification (germline): Uncertain significance. Review status: criteria provided, multiple submitters, no conflicts (2 of 4 stars). 4 submissions from 4 submitters: Uncertain significance (4). Last evaluated 2023-10-01.

Conditions:
Retinitis pigmentosa (RP). Identifiers: Orphanet 791, MedGen C0035334, MeSH D012174, MONDO:0019200, OMIM 268000. Inheritance: Autosomal dominant, autosomal recessive and X linked inheritance.
Retinal dystrophy. Also called: Inherited retinal dystrophy. Identifiers: Orphanet 71862, MedGen C0854723, MeSH D058499, MONDO:0019118, HP:0000556.

Allele frequency attached by ClinVar (database versions not stated): gnomAD 0.00003 and 0.00004; gnomAD exomes 0.00003 and 0.00005; TOPMed 0.00004; ExAC 0.00010; 1000 Genomes Project 30x 0.00031; 1000 Genomes Project 0.00040.
gnomAD v4.1: 42 of 1,544,850 alleles (0.0027%); highest among the groups gnomAD compares: South Asian, 0.016%; no homozygotes.

Submissions (4):

Dept Of Ophthalmology, Nagoya University
Classification: Uncertain significance for Retinal dystrophy. Last evaluated: 2023-10-01. Review status: criteria provided, single submitter. Criteria: Submitter's publication. Collection method: research. Allele origin: germline. Affected: yes.

Labcorp Genetics (formerly Invitae), Labcorp
Classification: Uncertain significance. Last evaluated: 2022-08-22. Review status: criteria provided, single submitter. Criteria: Invitae Variant Classification Sherloc (09022015). Collection method: clinical testing. Allele origin: germline.
Comment: This sequence change replaces glycine, which is neutral and non-polar, with arginine, which is basic and polar, at codon 2004 of the EYS protein (p.Gly2004Arg). This variant is present in population databases (rs535282640, gnomAD 0.01%). This variant has not been reported in the literature in individuals affected with EYS-related conditions. ClinVar contains an entry for this variant (Variation ID: 908898). Algorithms developed to predict the effect of missense changes on protein structure and function output the following: SIFT: "Deleterious"; PolyPhen-2: "Possibly Damaging"; Align-GVGD: "Class C0". The arginine amino acid residue is found in multiple mammalian species, which suggests that this missense change does not adversely affect protein function. Algorithms developed to predict the effect of sequence changes on RNA splicing suggest that this variant may create or strengthen a splice site. In summary, the available evidence is currently insufficient to determine the role of this variant in disease. Therefore, it has been classified as a Variant of Uncertain Significance.

Blueprint Genetics
Classification: Uncertain significance. Last evaluated: 2021-05-21. Review status: criteria provided, single submitter. Criteria: ACMG Guidelines, 2015. Collection method: clinical testing. Allele origin: germline.

Illumina Laboratory Services, Illumina
Classification: Uncertain significance for Retinitis pigmentosa. Last evaluated: 2018-01-13. Review status: criteria provided, single submitter. Criteria: ICSL Variant Classification Criteria 13 December 2019. Collection method: clinical testing. Allele origin: germline.

NM_001142800.2(EYS):c.6010G>A (p.Gly2004Arg)

Gene: EYS (EGF-like photoreceptor maintenance factor; minus strand). Cytogenetic location: 6q12.
Variant type: single nucleotide variant.
Coding change: c.6010G>A on transcript NM_001142800.2 (MANE Select); coding-DNA position 6010, G replaced by A.
Protein change: p.Gly2004Arg; replaces glycine 2004 with arginine.
Molecular consequence: missense variant.
Genome position (GRCh38, 1-based): chr6:64,388,758, C>T on the plus strand (G>A on the coding strand, the complement: EYS is on the minus strand). VCF-style: chr6-64388758-C-T. GRCh37 (hg19) VCF-style: chr6-65098651-C-T.
Other names: c.6010G>A, p.Gly2004Arg (NM_001292009.2); short protein forms G2004R.
Identifiers: ClinVar variation 908898 (VCV000908898.8), dbSNP rs535282640, ClinGen allele CA3876956.